The following is an entry in ClinVar:

ClinVar aggregate classification (germline): Uncertain significance. Review status: criteria provided, multiple submitters, no conflicts (2 of 4 stars). 5 submissions from 5 submitters: Uncertain significance (5). Last evaluated 2025-04-25.

Conditions:
Cardiovascular phenotype. Identifiers: MedGen CN230736.
Arrhythmogenic right ventricular dysplasia 5. Also called: ARRHYTHMOGENIC RIGHT VENTRICULAR DYSPLASIA, FAMILIAL, 5; Arrhythmogenic Right Ventricular Dysplasia/Cardiomyopathy 5. Identifiers: MedGen C1858379, MONDO:0011459, OMIM 604400.
Cardiomyopathy (CMYO). Also called: Cardiomyopathies. Identifiers: Orphanet 167848, MedGen C0878544, MONDO:0004994, HP:0001638. Inheritance: Various modes of inheritance.

Submissions (5):

GeneDx
Classification: Uncertain significance. Last evaluated: 2025-04-25. Review status: criteria provided, single submitter. Criteria: GeneDx Variant Classification Process June 2021. Collection method: clinical testing. Allele origin: germline. Affected: yes.
Comment: Not observed at significant frequency in large population cohorts (gnomAD); In silico analysis supports that this missense variant has a deleterious effect on protein structure/function; Has not been previously published as pathogenic or benign to our knowledge

Color Diagnostics, LLC DBA Color Health
Classification: Uncertain significance for Cardiomyopathy. Last evaluated: 2024-03-06. Review status: criteria provided, single submitter. Criteria: ACMG Guidelines, 2015. Collection method: clinical testing. Allele origin: germline.
Comment: This missense variant replaces glycine with serine at codon 322 of the TMEM43 protein. Computational prediction suggests that this variant may not impact protein structure and function (internally defined REVEL score threshold <= 0.5, PMID: 27666373). To our knowledge, functional studies have not been reported for this variant. This variant has not been reported in individuals affected with cardiovascular disorders in the literature. This variant has not been identified in the general population by the Genome Aggregation Database (gnomAD). The available evidence is insufficient to determine the role of this variant in disease conclusively. Therefore, this variant is classified as a Variant of Uncertain Significance.

All of Us Research Program, National Institutes of Health
Classification: Uncertain significance for Arrhythmogenic right ventricular dysplasia 5. Last evaluated: 2023-11-28. Review status: criteria provided, single submitter. Criteria: ACMG Guidelines, 2015. Collection method: clinical testing. Allele origin: germline. Inheritance: Autosomal dominant inheritance. Observed: 1 variant allele, 1 heterozygote.
Comment: This missense variant replaces glycine with serine at codon 322 of the TMEM43 protein. Computational prediction suggests that this variant may not impact protein structure and function (internally defined REVEL score threshold <= 0.5, PMID: 27666373). To our knowledge, functional studies have not been reported for this variant. This variant has not been reported in individuals affected with cardiovascular disorders in the literature. This variant has not been identified in the general population by the Genome Aggregation Database (gnomAD). The available evidence is insufficient to determine the role of this variant in disease conclusively. Therefore, this variant is classified as a Variant of Uncertain Significance.

This study involves interpretation of variants in research participants for the purpose of population health screening. Participant phenotype was not available at the time of variant classification. Additional details can be found in publication PMID: 35346344, PMCID: PMC8962531

Ambry Genetics
Classification: Uncertain significance for Cardiovascular phenotype. Last evaluated: 2023-06-29. Review status: criteria provided, single submitter. Criteria: Ambry Variant Classification Scheme 2023. Collection method: clinical testing. Allele origin: germline.
Comment: The p.G322S variant (also known as c.964G>A), located in coding exon 11 of the TMEM43 gene, results from a G to A substitution at nucleotide position 964. The glycine at codon 322 is replaced by serine, an amino acid with similar properties. This amino acid position is conserved. In addition, this alteration is predicted to be tolerated by in silico analysis. Since supporting evidence is limited at this time, the clinical significance of this alteration remains unclear.

CHEO Genetics Diagnostic Laboratory, Children's Hospital of Eastern Ontario
Classification: Uncertain significance for Cardiomyopathy. Last evaluated: 2015-12-01. Review status: criteria provided, single submitter. Criteria: ACMG Guidelines, 2015. Collection method: clinical testing. Allele origin: germline. Study: Canadian Open Genetics Repository.

NM_024334.3(TMEM43):c.964G>A (p.Gly322Ser)

Gene: TMEM43 (transmembrane protein 43; plus strand). Cytogenetic location: 3p25.1.
Variant type: single nucleotide variant.
Coding change: c.964G>A on transcript NM_024334.3 (MANE Select); coding-DNA position 964, G replaced by A.
Protein change: p.Gly322Ser; replaces glycine 322 with serine.
Molecular consequence: missense variant.
Genome position (GRCh38, 1-based): chr3:14,139,261, G>A. VCF-style: chr3-14139261-G-A. GRCh37 (hg19) VCF-style: chr3-14180761-G-A.
Other names: short protein forms G322S.
Identifiers: ClinVar variation 626470 (VCV000626470.8), dbSNP rs1231932407, ClinGen allele CA351536253.